The following is an entry in ClinVar:

NM_000875.5(IGF1R):c.2201+5C>G

Gene: IGF1R (insulin like growth factor 1 receptor; plus strand). Cytogenetic location: 15q26.3.
Variant type: single nucleotide variant.
Coding change: c.2201+5C>G on transcript NM_000875.5 (MANE Select); 5 bases into the intron after coding-DNA position 2201, C replaced by G.
Molecular consequence: intron variant.
Genome position (GRCh38, 1-based): chr15:98,916,881, C>G. VCF-style: chr15-98916881-C-G. GRCh37 (hg19) VCF-style: chr15-99460110-C-G.
Other names: c.2201+5C>G (NM_001291858.2).
Identifiers: ClinVar variation 390320 (VCV000390320.1), dbSNP rs1057523724, ClinGen allele CA16607965.

ClinVar aggregate classification (germline): Likely benign (1 of 4 stars; one submission).

gnomAD v4.1: 7 of 1,613,728 alleles (0.00043%); highest among the groups gnomAD compares: African/African-American, 0.0013%; no homozygotes.

Submission:

GeneDx
Classification: Likely benign. Last evaluated: 2016-11-03. Review status: criteria provided, single submitter. Criteria: GeneDx Variant Classification (06012015). Collection method: clinical testing. Allele origin: germline. Affected: yes.
Comment: This variant is considered likely benign or benign based on one or more of the following criteria: it is a conservative change, it occurs at a poorly conserved position in the protein, it is predicted to be benign by multiple in silico algorithms, and/or has population frequency not consistent with disease.